The following is an entry in ClinVar:

ClinVar aggregate classification (germline): Pathogenic/Likely pathogenic. Review status: criteria provided, multiple submitters, no conflicts (2 of 4 stars). 3 submissions from 3 submitters: Pathogenic (1); Likely pathogenic (1). 1 of the submissions does not count toward it. Last evaluated 2015-02-23.

Conditions:
Bardet-Biedl syndrome 14 (BBS14). Identifiers: Orphanet 110, MedGen C2673874, MONDO:0014442, OMIM 615991.
Meckel syndrome, type 3 (MKS3). Also called: MECKEL-GRUBER SYNDROME, TYPE 3. Identifiers: Orphanet 564, MedGen C1846357, MONDO:0011821, OMIM 607361.
Nephronophthisis 11 (NPHP11). Identifiers: Orphanet 84081, MedGen C3150796, MONDO:0013302, OMIM 613550.
COACH syndrome 1. Identifiers: Orphanet 1454, MedGen C5435651, MONDO:0800103, OMIM 216360, MONDO:0008996.
RHYNS syndrome. Also called: RETINITIS PIGMENTOSA SYNDROME; RETINITIS PIGMENTOSA, HYPOPITUITARISM, NEPHRONOPHTHISIS, AND MILD SKELETAL DYSPLASIA. Identifiers: Orphanet 140976, MedGen C1865794, MONDO:0011202, OMIM 602152.
Joubert syndrome 6 (JBTS6). Identifiers: Orphanet 475, MedGen C1853153, MONDO:0012539, OMIM 610688.

Allele frequency attached by ClinVar (database versions not stated): gnomAD exomes below 0.00001.
gnomAD v4.1: 1 of 1,579,408 alleles (0.000063%); highest among the groups gnomAD compares: Non-Finnish European, 0.000087%; no homozygotes.

Submissions (3):

UW Hindbrain Malformation Research Program, University of Washington
Classification: Pathogenic for Joubert syndrome 6. Last evaluated: 2015-02-23. Review status: criteria provided, single submitter. Criteria: Bachmann-Gagescu et al. (J Med Genet. 2015). Collection method: research. Allele origin: unknown. Affected: yes.

Juno Genomics, Hangzhou Juno Genomics, Inc
Classification: Likely pathogenic for Bardet-Biedl syndrome 14; RHYNS syndrome; COACH syndrome 1; Joubert syndrome 6; Meckel syndrome, type 3; Nephronophthisis 11. Review status: criteria provided, single submitter. Criteria: ACMG Guidelines, 2015. Collection method: clinical testing. Allele origin: germline.
Comment: Absent from controls (or at extremely low frequency if recessive) in Genome Aggregation Database.;Null variant in a gene where loss of function (LOF) is a known mechanism of disease.;For recessive disorders, detected in trans with a pathogenic variant.;Patient's phenotype or family history is highly specific for a disease with a single genetic etiology.

OMIM
Classification: Pathogenic for COACH SYNDROME. Last evaluated: 2009-02-01. Review status: no assertion criteria provided. Collection method: literature only. Allele origin: germline. Not counted in ClinVar's aggregate classification.

Literature cited by the submitters: PubMed 19058225 (cited by OMIM).

NM_153704.6(TMEM67):c.2556+1G>T

Gene: TMEM67 (transmembrane protein 67; plus strand). Cytogenetic location: 8q22.1.
Variant type: single nucleotide variant.
Coding change: c.2556+1G>T on transcript NM_153704.6 (MANE Select); the canonical splice donor site of the intron after coding-DNA position 2556, G replaced by T.
Molecular consequence: splice donor variant.
Genome position (GRCh38, 1-based): chr8:93,808,957, G>T. VCF-style: chr8-93808957-G-T. GRCh37 (hg19) VCF-style: chr8-94821185-G-T.
Other names: IVS24DS, G-T, +1; c.2313+1G>T (NM_001142301.1).
Identifiers: ClinVar variation 1379 (VCV000001379.3), dbSNP rs786200867, ClinGen allele CA212769.